The following is an entry in ClinVar:

NM_001164665.2(KIAA1549):c.2220A>G (p.Ser740=)

Gene: KIAA1549 (KIAA1549; minus strand). Cytogenetic location: 7q34.
Variant type: single nucleotide variant.
Coding change: c.2220A>G on transcript NM_001164665.2 (MANE Select); coding-DNA position 2220, A replaced by G.
Protein change: p.Ser740=; no amino-acid change (serine 740 retained).
Molecular consequence: synonymous variant.
Genome position (GRCh38, 1-based): chr7:138,917,406, T>C on the plus strand (A>G on the coding strand, the complement: KIAA1549 is on the minus strand). VCF-style: chr7-138917406-T-C. GRCh37 (hg19) VCF-style: chr7-138602152-T-C.
Other names: c.2220A>G, p.Ser740= (NM_020910.3).
Identifiers: ClinVar variation 740528 (VCV000740528.12), dbSNP rs547715850, ClinGen allele CA4506548.

ClinVar aggregate classification (germline): Likely benign. Review status: criteria provided, multiple submitters, no conflicts (2 of 4 stars). 3 submissions from 3 submitters: Likely benign (3). Last evaluated 2026-04-29.

Conditions:
KIAA1549-related disorder. Also called: KIAA1549-related condition.

Allele frequency attached by ClinVar (database versions not stated): gnomAD exomes 0.00001 and 0.00004; gnomAD 0.00003; TOPMed 0.00003; ExAC 0.00005; 1000 Genomes Project 30x 0.00016; 1000 Genomes Project 0.00020.
gnomAD v4.1: 27 of 1,613,974 alleles (0.0017%); highest among the groups gnomAD compares: East Asian, 0.027%; no homozygotes.

Submissions (3):

PreventionGenetics, part of Exact Sciences
Classification: Likely benign for KIAA1549-related condition. Last evaluated: 2026-04-29. Review status: criteria provided, single submitter. Criteria: ACMG Guidelines, 2015. Collection method: clinical testing. Allele origin: germline.
Comment: This variant is classified as likely benign based on ACMG/AMP sequence variant interpretation guidelines (Richards et al. 2015 PMID: 25741868, with internal and published modifications).

Labcorp Genetics (formerly Invitae), Labcorp
Classification: Likely benign. Last evaluated: 2026-01-06. Review status: criteria provided, single submitter. Criteria: Invitae Variant Classification Sherloc (09022015). Collection method: clinical testing. Allele origin: germline.

Blueprint Genetics
Classification: Likely benign. Last evaluated: 2024-10-24. Review status: criteria provided, single submitter. Criteria: ACMG Guidelines, 2015. Collection method: clinical testing. Allele origin: germline.